The following is an entry in ClinVar:

NM_002335.4(LRP5):c.4045G>A (p.Val1349Ile)

Gene: LRP5 (LDL receptor related protein 5; plus strand). Cytogenetic location: 11q13.2.
Variant type: single nucleotide variant.
Coding change: c.4045G>A on transcript NM_002335.4 (MANE Select); coding-DNA position 4045, G replaced by A.
Protein change: p.Val1349Ile; replaces valine 1349 with isoleucine.
Molecular consequence: missense variant.
Genome position (GRCh38, 1-based): chr11:68,436,933, G>A. VCF-style: chr11-68436933-G-A. GRCh37 (hg19) VCF-style: chr11-68204401-G-A.
Other names: c.2302G>A, p.Val768Ile (NM_001291902.2); short protein forms V1349I, V768I.
Identifiers: ClinVar variation 1006211 (VCV001006211.13), dbSNP rs2098675334, ClinGen allele CA381614484.
Genomic context (GRCh38, chr11:68,436,933, plus strand): 5'-TGGCCTCTCCTTGCAGCCATCTGCCTGCCCAACCAGTTCCGGTGTGCGAGCGGCCAGTGT[G>A]TCCTCATCAAACAGCAGTGCGACTCCTTCCCCGACTGTATCGACGGCTCCGACGAGCTCA-3'
Protein context (NP_002326.2, residues 1339-1359): NQFRCASGQC[Val1349Ile]LIKQQCDSFP

ClinVar aggregate classification (germline): Uncertain significance. Review status: criteria provided, multiple submitters, no conflicts (2 of 4 stars). 2 submissions from 2 submitters: Uncertain significance (2). Last evaluated 2025-11-18.

Conditions:
Bone mineral density quantitative trait locus 1 (BMND1). Identifiers: MedGen C1866079, OMIM 601884.
Worth disease. Also called: ENDOSTEAL HYPEROSTOSIS, AUTOSOMAL DOMINANT; OSTEOSCLEROSIS, AUTOSOMAL DOMINANT; Autosomal dominant osteosclerosis, Worth type. Identifiers: Orphanet 2790, MedGen C0432273, MONDO:0007764, OMIM 144750.
Exudative vitreoretinopathy 4 (EVR4). Identifiers: Orphanet 891, MedGen C1866176, MONDO:0011151, OMIM 601813.
Osteoporosis. Identifiers: MedGen C0029456, MONDO:0005298, OMIM 166710, HP:0000939.
Polycystic liver disease 4 with or without kidney cysts. Identifiers: MedGen C4693479, MONDO:0044327, OMIM 617875.
Exudative vitreoretinopathy 1 (EVR1). Also called: CRISWICK-SCHEPENS SYNDROME; FEVR, AUTOSOMAL DOMINANT; Familial exudative vitreoretinopathy, autosomal dominant. Identifiers: Orphanet 891, Orphanet 90050, MedGen C1851402, MONDO:0007589, OMIM 133780.
Autosomal dominant osteopetrosis 1 (OPTA1). Also called: OSTEOPETROSIS, AUTOSOMAL DOMINANT, TYPE I. Identifiers: Orphanet 2783, MedGen C1843330, MONDO:0011877, OMIM 607634.
Osteoporosis with pseudoglioma (OPPG). Also called: osteoporosis-pseudoglioma syndrome. Identifiers: Orphanet 2788, MedGen C0432252, MONDO:0009820, OMIM 259770.

Allele frequency attached by ClinVar (database versions not stated): gnomAD exomes below 0.00001; TOPMed below 0.00001.
gnomAD v4.1: 2 of 1,613,942 alleles (0.00012%); highest among the groups gnomAD compares: African/African-American, 0.0013%; no homozygotes.

Submissions (2):

Labcorp Genetics (formerly Invitae), Labcorp
Classification: Uncertain significance. Last evaluated: 2025-11-18. Review status: criteria provided, single submitter. Criteria: Invitae Variant Classification Sherloc (09022015). Collection method: clinical testing. Allele origin: germline.
Comment: This sequence change replaces valine, which is neutral and non-polar, with isoleucine, which is neutral and non-polar, at codon 1349 of the LRP5 protein (p.Val1349Ile). This variant is not present in population databases (gnomAD no frequency). This variant has not been reported in the literature in individuals affected with LRP5-related conditions. ClinVar contains an entry for this variant (Variation ID: 1006211). Invitae Evidence Modeling of protein sequence and biophysical properties (such as structural, functional, and spatial information, amino acid conservation, physicochemical variation, residue mobility, and thermodynamic stability) indicates that this missense variant is not expected to disrupt LRP5 protein function with a negative predictive value of 95%. In summary, the available evidence is currently insufficient to determine the role of this variant in disease. Therefore, it has been classified as a Variant of Uncertain Significance.

Fulgent Genetics
Classification: Uncertain significance for Exudative vitreoretinopathy 1; Worth disease; Osteoporosis; Osteoporosis with pseudoglioma; Exudative vitreoretinopathy 4; Bone mineral density quantitative trait locus 1; Autosomal dominant osteopetrosis 1; Polycystic liver disease 4 with or without kidney cysts. Last evaluated: 2022-04-22. Review status: criteria provided, single submitter. Criteria: ACMG Guidelines, 2015. Collection method: clinical testing. Allele origin: unknown.